The following is an entry in ClinVar:

NM_001687.5(ATP5F1D):c.436G>A (p.Asp146Asn)

Genes: ATP5F1D (ATP synthase F1 subunit delta; plus strand), LOC130062904 (ATAC-STARR-seq lymphoblastoid silent region 9674; plus strand). Cytogenetic location: 19p13.3.
Variant type: single nucleotide variant.
Coding change: c.436G>A on transcript NM_001687.5 (MANE Select); coding-DNA position 436, G replaced by A.
Protein change: p.Asp146Asn; replaces aspartic acid 146 with asparagine.
Molecular consequence: missense variant.
Genome position (GRCh38, 1-based): chr19:1,244,366, G>A. VCF-style: chr19-1244366-G-A. GRCh37 (hg19) VCF-style: chr19-1244365-G-A.
Other names: c.436G>A, p.Asp146Asn (NM_001001975.2); short protein forms D146N.
Identifiers: ClinVar variation 2963526 (VCV002963526.3), dbSNP rs569682239, ClinGen allele CA9040337.

ClinVar aggregate classification (germline): Uncertain significance (1 of 4 stars; one submission).

Allele frequency attached by ClinVar (database versions not stated): gnomAD exomes below 0.00001; ExAC 0.00003; TOPMed 0.00003; gnomAD 0.00004; 1000 Genomes Project 0.00040; 1000 Genomes Project 30x 0.00047.

Submission:

Labcorp Genetics (formerly Invitae), Labcorp
Classification: Uncertain significance. Last evaluated: 2023-06-03. Review status: criteria provided, single submitter. Criteria: Invitae Variant Classification Sherloc (09022015). Collection method: clinical testing. Allele origin: germline.
Comment: This variant has not been reported in the literature in individuals affected with ATP5D-related conditions. The frequency data for this variant in the population databases is considered unreliable, as metrics indicate poor data quality at this position in the gnomAD database. This sequence change replaces aspartic acid, which is acidic and polar, with asparagine, which is neutral and polar, at codon 146 of the ATP5D protein (p.Asp146Asn). In summary, the available evidence is currently insufficient to determine the role of this variant in disease. Therefore, it has been classified as a Variant of Uncertain Significance. An algorithm developed to predict the effect of missense changes on protein structure and function (PolyPhen-2) suggests that this variant is likely to be tolerated.